The following is an entry in ClinVar:

ClinVar aggregate classification (germline): Pathogenic (1 of 4 stars; one submission).

Conditions:
Familial thoracic aortic aneurysm and aortic dissection (TAAD). Also called: Thoracic aortic aneurysms and dissections. Identifiers: Orphanet 91387, MedGen C4707243, MONDO:0019625.

Submission:

Ambry Genetics
Classification: Pathogenic for Familial thoracic aortic aneurysm and aortic dissection. Last evaluated: 2016-12-06. Review status: criteria provided, single submitter. Criteria: Ambry Variant Classification Scheme 2023. Collection method: clinical testing. Allele origin: germline.
Comment: The c.7412delC pathogenic mutation, located in coding exon 59 of the FBN1 gene, results from a deletion of one nucleotide at nucleotide position 7412, causing a translational frameshift with a predicted alternate stop codon (p.P2471Rfs*211). This alteration is expected to result in loss of function by premature protein truncation or nonsense-mediated mRNA decay. As such, this alteration is interpreted as a disease-causing mutation.

NM_000138.5(FBN1):c.7412del (p.Pro2471fs)

Gene: FBN1 (fibrillin 1; minus strand). Cytogenetic location: 15q21.1.
Variant type: Deletion.
Coding change: c.7412del on transcript NM_000138.5 (MANE Select); coding-DNA position 7412, one base deleted (C; older notation c.7412delC).
Protein change: p.Pro2471fs; shifts the reading frame from proline 2471.
Molecular consequence: frameshift variant.
Genome position (GRCh38, 1-based): chr15:48,425,410, G deleted on the plus strand (C on the coding strand, the reverse complement: FBN1 is on the minus strand); the first of 3 consecutive G bases (chr15:48,425,410-48,425,412); deleting any one gives the same sequence. VCF-style (leftmost placement, unchanged base first): chr15-48425409-CG-C. GRCh37 (hg19) VCF-style: chr15-48717606-CG-C.
Other names: c.7412delC (NM_000138.4); short protein forms P2471fs.
Identifiers: ClinVar variation 519747 (VCV000519747.5), dbSNP rs1555394396, ClinGen allele CA658798044.